The following is an entry in ClinVar:

ClinVar aggregate classification (germline): Uncertain significance. Review status: criteria provided, multiple submitters, no conflicts (2 of 4 stars). 3 submissions from 3 submitters: Uncertain significance (3). Last evaluated 2025-12-19.

Allele frequency attached by ClinVar (database versions not stated): gnomAD 0.00016 and 0.00014; 1000 Genomes Project 0.00020; TOPMed 0.00020; 1000 Genomes Project 30x 0.00031; ESP Exome Variant Server 0.00031; ExAC 0.00008; gnomAD exomes 0.00009.
gnomAD v4.1: 171 of 1,614,036 alleles (0.011%); highest among the groups gnomAD compares: African/African-American, 0.016%; no homozygotes.

Submissions (3):

Labcorp Genetics (formerly Invitae), Labcorp
Classification: Uncertain significance. Last evaluated: 2025-12-19. Review status: criteria provided, single submitter. Criteria: Invitae Variant Classification Sherloc (09022015). Collection method: clinical testing. Allele origin: germline.
Comment: This sequence change replaces glycine, which is neutral and non-polar, with arginine, which is basic and polar, at codon 81 of the GDF5 protein (p.Gly81Arg). This variant is present in population databases (rs148658511, gnomAD 0.03%). This variant has not been reported in the literature in individuals affected with GDF5-related conditions. ClinVar contains an entry for this variant (Variation ID: 932177). An algorithm developed to predict the effect of missense changes on protein structure and function (PolyPhen-2) suggests that this variant is likely to be disruptive. In summary, the available evidence is currently insufficient to determine the role of this variant in disease. Therefore, it has been classified as a Variant of Uncertain Significance.

GeneDx
Classification: Uncertain significance. Last evaluated: 2022-06-28. Review status: criteria provided, single submitter. Criteria: GeneDx Variant Classification Process June 2021. Collection method: clinical testing. Allele origin: germline. Affected: yes.
Comment: Reported in a patient with osteoarthritis in published literature (Dodd et al., 2011); In silico analysis supports that this missense variant does not alter protein structure/function; This variant is associated with the following publications: (PMID: 21281725)

Women's Health and Genetics/Laboratory Corporation of America, LabCorp
Classification: Uncertain significance. Last evaluated: 2020-05-08. Review status: criteria provided, single submitter. Criteria: LabCorp Variant Classification Summary - May 2015. Collection method: clinical testing. Allele origin: germline.
Comment: Variant summary: GDF5 c.241G>A (p.Gly81Arg) results in a non-conservative amino acid change in the encoded protein sequence. Four of five in-silico tools predict a benign effect of the variant on protein function. The variant allele was found at a frequency of 9.1e-05 in 251770 control chromosomes (gnomAD). c.241G>A has been reported in the literature in an individual affected with knee osteoarthritis (Dodd_2011). This report however, does not provide unequivocal conclusions about association of the variant with Grebe Syndrome. To our knowledge, no experimental evidence demonstrating an impact on protein function has been reported. No clinical diagnostic laboratories have submitted clinical-significance assessments for this variant to ClinVar after 2014. Based on the evidence outlined above, the variant was classified as uncertain significance.

Literature cited by the submitters: PubMed 21281725 (cited by Women's Health and Genetics/Laboratory Corporation of America, LabCorp).

NM_000557.5(GDF5):c.241G>A (p.Gly81Arg)

Gene: GDF5 (growth differentiation factor 5; minus strand). Cytogenetic location: 20q11.22.
Variant type: single nucleotide variant.
Coding change: c.241G>A on transcript NM_000557.5 (MANE Select); coding-DNA position 241, G replaced by A.
Protein change: p.Gly81Arg; replaces glycine 81 with arginine.
Molecular consequence: missense variant.
Genome position (GRCh38, 1-based): chr20:35,437,688, C>T on the plus strand (G>A on the coding strand, the complement: GDF5 is on the minus strand). VCF-style: chr20-35437688-C-T. GRCh37 (hg19) VCF-style: chr20-34025468-C-T.
Other names: c.241G>A, p.Gly81Arg (NM_001319138.2); short protein forms G81R.
Identifiers: ClinVar variation 932177 (VCV000932177.7), dbSNP rs148658511, ClinGen allele CA9832391.
Genomic context (GRCh38, chr20:35,437,688, plus strand): 5'-GTCTGGGGGGCAGCTTTTTGGGTTCATCCTTCTTGGGCTGTGTCAGGCCTCCTGTCTGCC[C>T]GGTGCCTCCCTTTGCCCTGGCATTGGCATTGGTGGCCCCCCCACCATAGCTGTGACCCCC-3'
Protein context (NP_000548.2, residues 71-91): NANARAKGGT[Gly81Arg]QTGGLTQPKK